The following is an entry in ClinVar:

ClinVar aggregate classification (germline): Conflicting classifications of pathogenicity. Review status: criteria provided, conflicting classifications (1 of 4 stars). 3 submissions from 3 submitters: Uncertain significance (1); Likely benign (2). Last evaluated 2026-01-10.

Conditions:
Lung carcinoma. Identifiers: MedGen C0684249, MONDO:0005138.
Hereditary cancer-predisposing syndrome. Also called: Tumor predisposition; Neoplastic Syndromes, Hereditary; Hereditary Cancer Syndrome; Hereditary neoplastic syndrome. Identifiers: Orphanet 140162, MedGen C0027672, MeSH D009386, MONDO:0015356.
EGFR-related lung cancer (EGFR). Identifiers: MedGen CN130014.

Allele frequency attached by ClinVar (database versions not stated): ExAC 0.00001; gnomAD 0.00001; TOPMed 0.00004.
gnomAD v4.1: 28 of 1,613,988 alleles (0.0017%); highest among the groups gnomAD compares: Admixed American, 0.0083%; no homozygotes.

Submissions (3):

Labcorp Genetics (formerly Invitae), Labcorp
Classification: Uncertain significance for EGFR-related lung cancer. Last evaluated: 2026-01-10. Review status: criteria provided, single submitter. Criteria: Invitae Variant Classification Sherloc (09022015). Collection method: clinical testing. Allele origin: germline.
Comment: This sequence change replaces glycine, which is neutral and non-polar, with serine, which is neutral and polar, at codon 614 of the EGFR protein (p.Gly614Ser). This variant is present in population databases (rs779076899, gnomAD 0.006%). This variant has not been reported in the literature in individuals affected with EGFR-related conditions. ClinVar contains an entry for this variant (Variation ID: 802317). Invitae Evidence Modeling of protein sequence and biophysical properties (such as structural, functional, and spatial information, amino acid conservation, physicochemical variation, residue mobility, and thermodynamic stability) indicates that this missense variant is not expected to disrupt EGFR protein function with a negative predictive value of 80%. In summary, the available evidence is currently insufficient to determine the role of this variant in disease. Therefore, it has been classified as a Variant of Uncertain Significance.

Ambry Genetics
Classification: Likely benign for Hereditary cancer-predisposing syndrome. Last evaluated: 2024-12-30. Review status: criteria provided, single submitter. Criteria: Ambry Variant Classification Scheme 2023. Collection method: clinical testing. Allele origin: germline.

Mendelics
Classification: Likely benign for Lung cancer. Last evaluated: 2019-05-28. Review status: criteria provided, single submitter. Criteria: Mendelics Assertion Criteria 2017. Collection method: clinical testing. Allele origin: unknown.

NM_005228.5(EGFR):c.1840G>A (p.Gly614Ser)

Gene: EGFR (epidermal growth factor receptor; plus strand). Cytogenetic location: 7p11.2.
Variant type: single nucleotide variant.
Coding change: c.1840G>A on transcript NM_005228.5 (MANE Select); coding-DNA position 1840, G replaced by A.
Protein change: p.Gly614Ser; replaces glycine 614 with serine.
Molecular consequence: missense variant.
Genome position (GRCh38, 1-based): chr7:55,165,397, G>A. VCF-style: chr7-55165397-G-A. GRCh37 (hg19) VCF-style: chr7-55233090-G-A.
Other names: c.1705G>A, p.Gly569Ser (NM_001346897.2, NM_001346899.2); c.1840G>A, p.Gly614Ser (NM_001346898.2, NM_201282.2, NM_201284.2); c.1681G>A, p.Gly561Ser (NM_001346900.2); c.1039G>A, p.Gly347Ser (NM_001346941.2); short protein forms G561S, G569S, G614S, G347S.
Identifiers: ClinVar variation 802317 (VCV000802317.10), dbSNP rs779076899, ClinGen allele CA4265713.